The following is an entry in ClinVar:

NM_015175.3(NBEAL2):c.794G>A (p.Arg265His)

Gene: NBEAL2 (neurobeachin like 2; plus strand). Cytogenetic location: 3p21.31.
Variant type: single nucleotide variant.
Coding change: c.794G>A on transcript NM_015175.3 (MANE Select); coding-DNA position 794, G replaced by A.
Protein change: p.Arg265His; replaces arginine 265 with histidine.
Molecular consequence: missense variant.
Genome position (GRCh38, 1-based): chr3:46,991,557, G>A. VCF-style: chr3-46991557-G-A. GRCh37 (hg19) VCF-style: chr3-47033047-G-A.
Other names: c.773G>A, p.Arg258His (NM_001365116.2); short protein forms R265H, R258H.
Identifiers: ClinVar variation 4056058 (VCV004056058.1).
Genomic context (GRCh38, chr3:46,991,557, plus strand): 5'-GCCTAGTGCCACTGGCTCTAGAGGCACTGGTAGGTGCAGTCCATGTCTTGCATGCCAGCC[G>A]CGCACCTCCTCGTGGCCCAGAGCTTCGTGCCCTGCTTGAGAGCTACTTCCATGTCCTTAA-3'
Protein context (NP_055990.1, residues 255-275): VGAVHVLHAS[Arg265His]APPRGPELRA

ClinVar aggregate classification (germline): Uncertain significance (1 of 4 stars; one submission).

gnomAD v4.1: 14 of 1,605,402 alleles (0.00087%); highest among the groups gnomAD compares: East Asian, 0.0022%; no homozygotes.

Submission:

GeneDx
Classification: Uncertain significance. Last evaluated: 2025-01-06. Review status: criteria provided, single submitter. Criteria: GeneDx Variant Classification Process June 2021. Collection method: clinical testing. Allele origin: germline. Affected: yes.
Comment: In silico analysis indicates that this missense variant does not alter protein structure/function; Has not been previously published as pathogenic or benign to our knowledge